The following is an entry in ClinVar:

NM_138395.4(MARS2):c.5T>G (p.Leu2Arg)

Genes: MARS2 (methionyl-tRNA synthetase 2, mitochondrial; plus strand), LOC129935364 (ATAC-STARR-seq lymphoblastoid silent region 12216; plus strand). Cytogenetic location: 2q33.1.
Variant type: single nucleotide variant.
Coding change: c.5T>G on transcript NM_138395.4 (MANE Select); coding-DNA position 5, T replaced by G.
Protein change: p.Leu2Arg; replaces leucine 2 with arginine.
Molecular consequence: missense variant.
Genome position (GRCh38, 1-based): chr2:197,705,410, T>G. VCF-style: chr2-197705410-T-G. GRCh37 (hg19) VCF-style: chr2-198570134-T-G.
Other names: p.L2R:CTG>CGG; short protein forms L2R.
Identifiers: ClinVar variation 214631 (VCV000214631.11), dbSNP rs529228852, ClinGen allele CA324136.
Genomic context (GRCh38, chr2:197,705,410, plus strand): 5'-GCCTCTCACACGTGCTGTCAGAACGCCGCCTCCTCCGCTTGCGGCCGGTCTGCACCATGC[T>G]GCGAACGTCCGTCCTCCGCCTGCTAGGACGCACGGGGGCTAGTAGGCTGTCTCTCCTGGA-3'
Protein context (NP_612404.1, residues 1-12): M[Leu2Arg]RTSVLRLLGR

ClinVar aggregate classification (germline): Uncertain significance. Review status: criteria provided, multiple submitters, no conflicts (2 of 4 stars). 3 submissions from 3 submitters: Uncertain significance (3). Last evaluated 2025-06-09.

Allele frequency attached by ClinVar (database versions not stated): gnomAD exomes 0.00001; gnomAD 0.00003; 1000 Genomes Project 30x 0.00047; 1000 Genomes Project 0.00060.
gnomAD v4.1: 30 of 1,608,592 alleles (0.0019%); highest among the groups gnomAD compares: East Asian, 0.02%; no homozygotes.

Submissions (3):

Labcorp Genetics (formerly Invitae), Labcorp
Classification: Uncertain significance. Last evaluated: 2025-06-09. Review status: criteria provided, single submitter. Criteria: Invitae Variant Classification Sherloc (09022015). Collection method: clinical testing. Allele origin: germline.
Comment: This sequence change replaces leucine, which is neutral and non-polar, with arginine, which is basic and polar, at codon 2 of the MARS2 protein (p.Leu2Arg). This variant is present in population databases (rs529228852, gnomAD 0.02%). This variant has not been reported in the literature in individuals affected with MARS2-related conditions. ClinVar contains an entry for this variant (Variation ID: 214631). An algorithm developed to predict the effect of missense changes on protein structure and function (PolyPhen-2) suggests that this variant is likely to be disruptive. In summary, the available evidence is currently insufficient to determine the role of this variant in disease. Therefore, it has been classified as a Variant of Uncertain Significance.

Blueprint Genetics
Classification: Uncertain significance. Last evaluated: 2024-02-12. Review status: criteria provided, single submitter. Criteria: ACMG Guidelines, 2015. Collection method: clinical testing. Allele origin: germline.

GeneDx
Classification: Uncertain significance. Last evaluated: 2023-12-19. Review status: criteria provided, single submitter. Criteria: GeneDx Variant Classification Process June 2021. Collection method: clinical testing. Allele origin: germline. Affected: yes.
Comment: In silico analysis supports that this missense variant does not alter protein structure/function; Has not been previously published as pathogenic or benign to our knowledge